The following is an entry in ClinVar:

ClinVar aggregate classification (germline): Conflicting classifications of pathogenicity. Review status: criteria provided, conflicting classifications (1 of 4 stars). 7 submissions from 7 submitters: Uncertain significance (6); Likely benign (1). Last evaluated 2026-06-04.

Conditions:
Hereditary cancer-predisposing syndrome. Also called: Neoplastic Syndromes, Hereditary; Hereditary Cancer Syndrome; Tumor predisposition; Hereditary neoplastic syndrome. Identifiers: Orphanet 140162, MedGen C0027672, MeSH D009386, MONDO:0015356.
Carcinoma of pancreas. Also called: Pancreatic carcinoma, somatic; Pancreatic cancer, somatic; PANCREATIC ACINAR CARCINOMA; PANCREATIC CARCINOMA; Exocrine pancreatic carcinoma. Identifiers: Orphanet 1333, Orphanet 217074, MedGen C0235974, MONDO:0005192. Disease mechanism: loss of function.
Peutz-Jeghers syndrome (PJS). Also called: Peutz-Jeghers polyposis; Periorificial lentiginosis syndrome; POLYPOSIS, HAMARTOMATOUS INTESTINAL; POLYPS-AND-SPOTS SYNDROME. Identifiers: Orphanet 2869, MedGen C0031269, MeSH D010580, MONDO:0008280, OMIM 175200.
Melanoma, cutaneous malignant, susceptibility to, 1 (CMM1). Also called: MELANOMA, MALIGNANT; FAMILIAL ATYPICAL MOLE-MALIGNANT MELANOMA SYNDROME; DYSPLASTIC NEVUS SYNDROME, HEREDITARY; B-K MOLE SYNDROME. Identifiers: Orphanet 618, MedGen C1835047, MONDO:0007963, OMIM 155600.
Germ cell tumor of testis (TGCT). Also called: Testicular germ cell tumor; GERM CELL TUMOR, SOMATIC. Identifiers: Orphanet 363504, MedGen C1336708, MONDO:0010108, OMIM 273300.

Submissions (7):

Ambry Genetics
Classification: Likely benign for Hereditary cancer-predisposing syndrome. Last evaluated: 2026-06-04. Review status: criteria provided, single submitter. Criteria: Ambry Variant Classification Scheme 2023. Collection method: clinical testing. Allele origin: germline.

Labcorp Genetics (formerly Invitae), Labcorp
Classification: Uncertain significance for Peutz-Jeghers syndrome. Last evaluated: 2024-04-08. Review status: criteria provided, single submitter. Criteria: Invitae Variant Classification Sherloc (09022015). Collection method: clinical testing. Allele origin: germline.
Comment: This sequence change replaces leucine, which is neutral and non-polar, with valine, which is neutral and non-polar, at codon 9 of the STK11 protein (p.Leu9Val). This variant is not present in population databases (gnomAD no frequency). This variant has not been reported in the literature in individuals affected with STK11-related conditions. ClinVar contains an entry for this variant (Variation ID: 234549). Advanced modeling of protein sequence and biophysical properties (such as structural, functional, and spatial information, amino acid conservation, physicochemical variation, residue mobility, and thermodynamic stability) has been performed at Invitae for this missense variant, however the output from this modeling did not meet the statistical confidence thresholds required to predict the impact of this variant on STK11 protein function. In summary, the available evidence is currently insufficient to determine the role of this variant in disease. Therefore, it has been classified as a Variant of Uncertain Significance.

Color Diagnostics, LLC DBA Color Health
Classification: Uncertain significance for Hereditary cancer-predisposing syndrome. Last evaluated: 2024-03-06. Review status: criteria provided, single submitter. Criteria: ACMG Guidelines, 2015. Collection method: clinical testing. Allele origin: germline.
Comment: This missense variant replaces leucine with valine at codon 9 of the STK11 protein. Computational prediction suggests that this variant may not impact protein structure and function (internally defined REVEL score threshold <= 0.5, PMID: 27666373). To our knowledge, functional studies have not been reported for this variant. This variant has not been reported in individuals affected with hereditary cancer in the literature. This variant has not been identified in the general population by the Genome Aggregation Database (gnomAD). The available evidence is insufficient to determine the role of this variant in disease conclusively. Therefore, this variant is classified as a Variant of Uncertain Significance.

GeneDx
Classification: Uncertain significance. Last evaluated: 2021-11-17. Review status: criteria provided, single submitter. Criteria: GeneDx Variant Classification Process June 2021. Collection method: clinical testing. Allele origin: germline. Affected: yes.
Comment: Not observed at significant frequency in large population cohorts (Lek 2016); In silico analysis supports that this missense variant does not alter protein structure/function; Has not been previously published as pathogenic or benign to our knowledge

Genome-Nilou Lab
Classification: Uncertain significance for Peutz-Jeghers syndrome. Last evaluated: 2021-07-15. Review status: criteria provided, single submitter. Criteria: ACMG Guidelines, 2015. Collection method: clinical testing. Allele origin: germline. Affected: no.

Fulgent Genetics
Classification: Uncertain significance for Melanoma, cutaneous malignant, susceptibility to, 1; Peutz-Jeghers syndrome; Familial pancreatic carcinoma; Germ cell tumor of testis. Last evaluated: 2021-07-06. Review status: criteria provided, single submitter. Criteria: ACMG Guidelines, 2015. Collection method: clinical testing. Allele origin: unknown.

St. Jude Molecular Pathology, St. Jude Children's Research Hospital
Classification: Uncertain significance for Peutz-Jeghers syndrome. Last evaluated: 2021-02-25. Review status: criteria provided, single submitter. Criteria: St. Jude Assertion Criteria 2020. Collection method: clinical testing. Allele origin: germline.
Comment: The STK11 c.25C>G (p.Leu9Val) missense change is absent in gnomAD v2.1.1 (PM2_Supporting). While five of seven in silico tools predict a benign effect of this variant on protein function, multiple splicing prediction models indicate that this variant may create or strengthen a splice site. Available transcriptional data did not demonstrate abnormal splicing, however the effect of this variant on protein function has not been confirmed by functional assays. To our knowledge, this variant has not been reported in individuals with Peutz-Jeghers syndrome. In summary, this variant meets criteria to be classified as of uncertain significance based on the ACMG/AMP criteria: PM2_Supporting.

NM_000455.5(STK11):c.25C>G (p.Leu9Val)

Gene: STK11 (serine/threonine kinase 11; plus strand). Cytogenetic location: 19p13.3.
Variant type: single nucleotide variant.
Coding change: c.25C>G on transcript NM_000455.5 (MANE Select); coding-DNA position 25, C replaced by G.
Protein change: p.Leu9Val; replaces leucine 9 with valine.
Molecular consequence: missense variant.
Genome position (GRCh38, 1-based): chr19:1,206,938, C>G. VCF-style: chr19-1206938-C-G. GRCh37 (hg19) VCF-style: chr19-1206937-C-G.
Other names: short protein forms L9V.
Identifiers: ClinVar variation 234549 (VCV000234549.28), dbSNP rs876661079, ClinGen allele CA10577590.